The following is an entry in ClinVar:

ClinVar aggregate classification (germline): Likely pathogenic (1 of 4 stars; one submission).

Submission:

Labcorp Genetics (formerly Invitae), Labcorp
Classification: Likely pathogenic. Last evaluated: 2023-12-09. Review status: criteria provided, single submitter. Criteria: Invitae Variant Classification Sherloc (09022015). Collection method: clinical testing. Allele origin: germline.
Comment: This sequence change falls in intron 4 of the GNAS gene. It does not directly change the encoded amino acid sequence of the GNAS protein. It affects a nucleotide within the consensus splice site. This variant is not present in population databases (gnomAD no frequency). This variant has been observed in individuals with pseudohypoparathyroidism (PMID: 27922245; Invitae). Variants that disrupt the consensus splice site are a relatively common cause of aberrant splicing (PMID: 17576681, 9536098). Algorithms developed to predict the effect of sequence changes on RNA splicing suggest that this variant may disrupt the consensus splice site. This variant disrupts the c.312+5G nucleotide in the GNAS gene. Other variant(s) that disrupt this nucleotide have been determined to be pathogenic (PMID: 18089698, 29059381). This suggests that this nucleotide is clinically significant, and that variants that disrupt this position are likely to be disease-causing. In summary, the currently available evidence indicates that the variant is pathogenic, but additional data are needed to prove that conclusively. Therefore, this variant has been classified as Likely Pathogenic.

Literature cited by the submitters: PubMed 27922245; PubMed 17576681; PubMed 9536098; PubMed 18089698; PubMed 29059381.

NM_000516.7(GNAS):c.312+5G>C

Gene: GNAS (GNAS complex locus; plus strand). Cytogenetic location: 20q13.32.
Variant type: single nucleotide variant.
Coding change: c.312+5G>C on transcript NM_000516.7 (MANE Select); 5 bases into the intron after coding-DNA position 312, G replaced by C.
Molecular consequence: intron variant.
Genome position (GRCh38, 1-based): chr20:58,903,590, G>C. VCF-style: chr20-58903590-G-C. GRCh37 (hg19) VCF-style: chr20-57478645-G-C.
Other names: c.*218+5G>C (NM_016592.5); c.216+5G>C (NM_001410912.1); c.135+5G>C (NM_001309861.2, NM_001309840.2); c.*173+5G>C (NM_001077490.3); c.2241+5G>C (NM_080425.4); c.2196+5G>C (NM_001410913.1); c.315+5G>C (NM_001077488.5); c.270+5G>C (NM_080426.4); and 1 more.
Identifiers: ClinVar variation 2736975 (VCV002736975.3), dbSNP rs2146179050, ClinGen allele CA2695229892.
Genomic context (GRCh38, chr20:58,903,590, plus strand): 5'-GTGAGAAGGCAACCAAAGTGCAGGACATCAAAAACAACCTGAAAGAGGCGATTGAAGTAC[G>C]TGCTGGCTCCTTGTGCTGTCTGTCTTGTAGCGCCCTCCCAGCCAGTGCTGTTCCCTGACC-3'